The following is an entry in ClinVar:

ClinVar aggregate classification (germline): Uncertain significance (1 of 4 stars; one submission).

Conditions:
Nemaline myopathy 2 (NEM2). Also called: Nemaline myopathy 2, autosomal recessive. Identifiers: MedGen C1850569, MONDO:0009725, OMIM 256030.

Allele frequency attached by ClinVar (database versions not stated): gnomAD exomes below 0.00001; TOPMed below 0.00001.
gnomAD v4.1: 1 of 1,613,970 alleles (0.000062%); highest among the groups gnomAD compares: Non-Finnish European, 0.000085%; no homozygotes.

Submission:

Labcorp Genetics (formerly Invitae), Labcorp
Classification: Uncertain significance for Nemaline myopathy 2. Last evaluated: 2021-09-01. Review status: criteria provided, single submitter. Criteria: Invitae Variant Classification Sherloc (09022015). Collection method: clinical testing. Allele origin: germline.
Comment: This sequence change replaces alanine with threonine at codon 3410 of the NEB protein (p.Ala3410Thr). The alanine residue is moderately conserved and there is a small physicochemical difference between alanine and threonine. This variant is not present in population databases (ExAC no frequency). This variant has not been reported in the literature in individuals affected with NEB-related conditions. Algorithms developed to predict the effect of missense changes on protein structure and function are either unavailable or do not agree on the potential impact of this missense change (SIFT: "Deleterious"; PolyPhen-2: "Not Available"; Align-GVGD: "Class C0"). In summary, the available evidence is currently insufficient to determine the role of this variant in disease. Therefore, it has been classified as a Variant of Uncertain Significance.

NM_001164508.2(NEB):c.10228G>A (p.Ala3410Thr)

Gene: NEB (nebulin; minus strand). Cytogenetic location: 2q23.3.
Variant type: single nucleotide variant.
Coding change: c.10228G>A on transcript NM_001164508.2 (MANE Select); coding-DNA position 10228, G replaced by A.
Protein change: p.Ala3410Thr; replaces alanine 3410 with threonine.
Molecular consequence: missense variant.
Genome position (GRCh38, 1-based): chr2:151,627,121, C>T on the plus strand (G>A on the coding strand, the complement: NEB is on the minus strand). VCF-style: chr2-151627121-C-T. GRCh37 (hg19) VCF-style: chr2-152483635-C-T.
Other names: c.9499G>A, p.Ala3167Thr (NM_004543.5); c.10228G>A, p.Ala3410Thr (NM_001164507.2, NM_001271208.2); short protein forms A3410T, A3167T.
Identifiers: ClinVar variation 653807 (VCV000653807.6), dbSNP rs1298375132, ClinGen allele CA348792595.
Genomic context (GRCh38, chr2:151,627,121, plus strand): 5'-TGGTAAATTTCAGCTTGTCCGGAGGCTGGCGGTAGATGTTATCACTCAGTATTTCAGCAG[C>T]TCTCTTGCACTTGACCACATCCATAGACCCAATGGGGACCCAGCCAATGCCTCTCAGCCA-3'
Protein context (NP_001157980.2, residues 3400-3420): GSMDVVKCKR[Ala3410Thr]AEILSDNIYR